The following is an entry in ClinVar:

ClinVar aggregate classification (germline): Uncertain significance. Review status: criteria provided, multiple submitters, no conflicts (2 of 4 stars). 2 submissions from 2 submitters: Uncertain significance (2). Last evaluated 2025-10-18.

Conditions:
Inborn genetic diseases. Identifiers: MedGen C0950123, MeSH D030342.

Allele frequency attached by ClinVar (database versions not stated): TOPMed 0.00001.
gnomAD v4.1: 2 of 1,614,206 alleles (0.00012%); no homozygotes.

Submissions (2):

Ambry Genetics
Classification: Uncertain significance for Inborn genetic diseases. Last evaluated: 2025-10-18. Review status: criteria provided, single submitter. Criteria: Ambry Variant Classification Scheme 2023. Collection method: clinical testing. Allele origin: germline.

Labcorp Genetics (formerly Invitae), Labcorp
Classification: Uncertain significance. Last evaluated: 2022-04-28. Review status: criteria provided, single submitter. Criteria: Invitae Variant Classification Sherloc (09022015). Collection method: clinical testing. Allele origin: germline.
Comment: This sequence change replaces valine, which is neutral and non-polar, with alanine, which is neutral and non-polar, at codon 1457 of the KIDINS220 protein (p.Val1457Ala). This variant is not present in population databases (gnomAD no frequency). This variant has not been reported in the literature in individuals affected with KIDINS220-related conditions. Algorithms developed to predict the effect of missense changes on protein structure and function (SIFT, PolyPhen-2, Align-GVGD) all suggest that this variant is likely to be tolerated. In summary, the available evidence is currently insufficient to determine the role of this variant in disease. Therefore, it has been classified as a Variant of Uncertain Significance.

NM_020738.4(KIDINS220):c.4370T>C (p.Val1457Ala)

Gene: KIDINS220 (kinase D interacting substrate 220; minus strand). Cytogenetic location: 2p25.1.
Variant type: single nucleotide variant.
Coding change: c.4370T>C on transcript NM_020738.4 (MANE Select); coding-DNA position 4370, T replaced by C.
Protein change: p.Val1457Ala; replaces valine 1457 with alanine.
Molecular consequence: missense variant. On other transcripts: intron variant (6).
Genome position (GRCh38, 1-based): chr2:8,731,666, A>G on the plus strand (T>C on the coding strand, the complement: KIDINS220 is on the minus strand). VCF-style: chr2-8731666-A-G. GRCh37 (hg19) VCF-style: chr2-8871796-A-G.
Other names: c.4373T>C, p.Val1458Ala (NM_001348729.2); c.4316T>C, p.Val1439Ala (NM_001348731.2); c.4313T>C, p.Val1438Ala (NM_001348732.2); c.4202T>C, p.Val1401Ala (NM_001348734.2); c.4199T>C, p.Val1400Ala (NM_001348735.2); c.4073T>C, p.Val1358Ala (NM_001348736.2); c.3882+1778T>C (NM_001348741.2, NM_001348742.2, NM_001348743.2); c.3996+1778T>C (NM_001348738.2); and 2 more; short protein forms V1358A, V1401A, V1439A, V1457A, V1458A, V1438A, V1400A.
Identifiers: ClinVar variation 2147738 (VCV002147738.2), dbSNP rs1558302403, ClinGen allele CA345764911.
Genomic context (GRCh38, chr2:8,731,666, plus strand): 5'-GTGATAGGATCCAGGGGGGAAGCATCGTTGGTGGAAACCCCTGATGATGAATAATCGATA[A>G]CATCTCCCCTCTTCATTAGAAAGGACTTCCTCCCATCATCGGGCTTTGGTTCACTATCCT-3'
Protein context (NP_065789.1, residues 1447-1467): RKSFLMKRGD[Val1457Ala]IDYSSSGVST